The following is an entry in ClinVar:

NM_006348.5(COG5):c.2048T>C (p.Leu683Pro)

Gene: COG5 (component of oligomeric golgi complex 5; minus strand). Cytogenetic location: 7q22.3.
Variant type: single nucleotide variant.
Coding change: c.2048T>C on transcript NM_006348.5 (MANE Select); coding-DNA position 2048, T replaced by C.
Protein change: p.Leu683Pro; replaces leucine 683 with proline.
Molecular consequence: missense variant. On other transcripts: intron variant (1).
Genome position (GRCh38, 1-based): chr7:107,236,493, A>G on the plus strand (T>C on the coding strand, the complement: COG5 is on the minus strand). VCF-style: chr7-107236493-A-G. GRCh37 (hg19) VCF-style: chr7-106876938-A-G.
Other names: c.2048T>C, p.Leu683Pro (NM_001161520.2, NM_001379513.1); c.1886T>C, p.Leu629Pro (NM_001379511.1); c.1874T>C, p.Leu625Pro (NM_001379512.1); c.1478T>C, p.Leu493Pro (NM_001379515.1); c.1334T>C, p.Leu445Pro (NM_001379516.1); c.1985T>C, p.Leu662Pro (NM_181733.4); c.1853+11903T>C (NM_001379514.1); short protein forms L625P, L445P, L662P, L493P, L629P, L683P.
Identifiers: ClinVar variation 1523839 (VCV001523839.8), dbSNP rs558759709, ClinGen allele CA4430717.
Genomic context (GRCh38, chr7:107,236,493, plus strand): 5'-GTAATTCATCAATGTACCTGTGCAAAATCAGCAGCAAGTCGCATTTTCCCACCTTCACCA[A>G]GAGGTCTTATGAGACTGGCATGGCGGATAAAAAGTTCAACAGCTCTTTGGGCAATAGCCT-3'
Protein context (NP_006339.4, residues 673-693): FIRHASLIRP[Leu683Pro]GEGGKMRLAA

ClinVar aggregate classification (germline): Uncertain significance (1 of 4 stars; one submission).

Conditions:
COG5-congenital disorder of glycosylation. Also called: CONGENITAL DISORDER OF GLYCOSYLATION, TYPE IIi; COG5-CDG; CDG IIi. Identifiers: Orphanet 263487, MedGen C3150876, MONDO:0013325, OMIM 613612.

Allele frequency attached by ClinVar (database versions not stated): gnomAD 0.00001; gnomAD exomes 0.00002; ExAC 0.00003; 1000 Genomes Project 30x 0.00016; 1000 Genomes Project 0.00020.
gnomAD v4.1: 12 of 1,614,184 alleles (0.00074%); highest among the groups gnomAD compares: South Asian, 0.013%; no homozygotes.

Submission:

Labcorp Genetics (formerly Invitae), Labcorp
Classification: Uncertain significance for COG5-congenital disorder of glycosylation. Last evaluated: 2022-02-05. Review status: criteria provided, single submitter. Criteria: Invitae Variant Classification Sherloc (09022015). Collection method: clinical testing. Allele origin: germline.
Comment: This variant is present in population databases (rs558759709, gnomAD 0.02%). This sequence change replaces leucine, which is neutral and non-polar, with proline, which is neutral and non-polar, at codon 714 of the COG5 protein (p.Leu714Pro). This variant has not been reported in the literature in individuals affected with COG5-related conditions. In summary, the available evidence is currently insufficient to determine the role of this variant in disease. Therefore, it has been classified as a Variant of Uncertain Significance. Algorithms developed to predict the effect of missense changes on protein structure and function are either unavailable or do not agree on the potential impact of this missense change (SIFT: "Deleterious"; PolyPhen-2: "Probably Damaging"; Align-GVGD: "Class C0").